The following is an entry in ClinVar:

ClinVar aggregate classification (germline): Uncertain significance (1 of 4 stars; one submission).

Conditions:
Loeys-Dietz syndrome 2 (LDS2). Also called: Marfan syndrome, type 2 (formerly); AORTIC ANEURYSM, FAMILIAL THORACIC 3; MARFAN SYNDROME, TYPE II; TGFBR2-Related Loeys-Dietz Syndrome; Marfan Syndrome type 2; Marfan like connective tissue disorder. Identifiers: Orphanet 284973, Orphanet 558, MedGen C2674574, MONDO:0012427, OMIM 610168.

Submission:

Labcorp Genetics (formerly Invitae), Labcorp
Classification: Uncertain significance for Loeys-Dietz syndrome 2. Last evaluated: 2025-10-13. Review status: criteria provided, single submitter. Criteria: Invitae Variant Classification Sherloc (09022015). Collection method: clinical testing. Allele origin: germline.
Comment: This variant, c.573_575del, results in the deletion of 1 amino acid(s) of the TMPO protein (p.Lys192del), but otherwise preserves the integrity of the reading frame. This variant is not present in population databases (gnomAD no frequency). This variant has not been reported in the literature in individuals affected with TMPO-related conditions. Algorithms developed to predict the effect of sequence changes on RNA splicing suggest that this variant may disrupt the consensus splice site. In summary, the available evidence is currently insufficient to determine the role of this variant in disease. Therefore, it has been classified as a Variant of Uncertain Significance.

NM_001032283.3(TMPO):c.565+992_565+994del

Gene: TMPO (thymopoietin; plus strand). Cytogenetic location: 12q23.1.
Variant type: Microsatellite.
Coding change: c.565+992_565+994del on transcript NM_001032283.3 (MANE Select); bases 992 to 994 of the intron after coding-DNA position 565, 3 bases deleted (GAA; older notation c.565+992_565+994delGAA).
Molecular consequence: intron variant. On other transcripts: inframe deletion (1).
Genome position (GRCh38, 1-based): chr12:98,532,830-98,532,832, GAA deleted; deleting any 3 consecutive bases within chr12:98,532,825-98,532,832 gives the same sequence; the c. name uses the placement nearest the transcript's 3' end. VCF-style (leftmost placement, unchanged base first): chr12-98532824-AAAG-A. GRCh37 (hg19) VCF-style: chr12-98926602-AAAG-A.
Other names: c.570GAA[1], p.Lys192del (NM_003276.2); c.565+992_565+994del (NM_001307975.2, NM_001032284.3); short protein forms K192del.
Identifiers: ClinVar variation 4705268 (VCV004705268.1).